The following is an entry in ClinVar:

ClinVar aggregate classification (germline): Uncertain significance (1 of 4 stars; one submission).

Allele frequency attached by ClinVar (database versions not stated): gnomAD exomes 0.00001; TOPMed 0.00002.
gnomAD v4.1: 12 of 1,614,158 alleles (0.00074%); highest among the groups gnomAD compares: African/African-American, 0.0013%; no homozygotes.

Submission:

Labcorp Genetics (formerly Invitae), Labcorp
Classification: Uncertain significance. Last evaluated: 2022-06-30. Review status: criteria provided, single submitter. Criteria: Invitae Variant Classification Sherloc (09022015). Collection method: clinical testing. Allele origin: germline.
Comment: This variant has not been reported in the literature in individuals affected with SNRPB-related conditions. This variant is present in population databases (no rsID available, gnomAD 0.0009%). This sequence change replaces aspartic acid, which is acidic and polar, with alanine, which is neutral and non-polar, at codon 44 of the SNRPB protein (p.Asp44Ala). Algorithms developed to predict the effect of missense changes on protein structure and function (SIFT, PolyPhen-2, Align-GVGD) all suggest that this variant is likely to be disruptive. In summary, the available evidence is currently insufficient to determine the role of this variant in disease. Therefore, it has been classified as a Variant of Uncertain Significance.

NM_003091.4(SNRPB):c.131A>C (p.Asp44Ala)

Gene: SNRPB (small nuclear ribonucleoprotein polypeptides B and B1; minus strand). Cytogenetic location: 20p13.
Variant type: single nucleotide variant.
Coding change: c.131A>C on transcript NM_003091.4 (MANE Select); coding-DNA position 131, A replaced by C.
Protein change: p.Asp44Ala; replaces aspartic acid 44 with alanine.
Molecular consequence: missense variant.
Genome position (GRCh38, 1-based): chr20:2,467,631, T>G on the plus strand (A>C on the coding strand, the complement: SNRPB is on the minus strand). VCF-style: chr20-2467631-T-G. GRCh37 (hg19) VCF-style: chr20-2448277-T-G.
Other names: c.131A>C, p.Asp44Ala (NM_198216.2); short protein forms D44A.
Identifiers: ClinVar variation 1954104 (VCV001954104.5), dbSNP rs957133476, ClinGen allele CA310848208.